The following is an entry in ClinVar:

NM_000111.3(SLC26A3):c.570+3G>A

Gene: SLC26A3 (solute carrier family 26 member 3; minus strand). Cytogenetic location: 7q22.3.
Variant type: single nucleotide variant.
Coding change: c.570+3G>A on transcript NM_000111.3 (MANE Select); 3 bases into the intron after coding-DNA position 570, G replaced by A.
Molecular consequence: intron variant.
Genome position (GRCh38, 1-based): chr7:107,791,045, C>T on the plus strand (G>A on the coding strand, the complement: SLC26A3 is on the minus strand). VCF-style: chr7-107791045-C-T. GRCh37 (hg19) VCF-style: chr7-107431490-C-T.
Identifiers: ClinVar variation 1489273 (VCV001489273.3), dbSNP rs1267584403, ClinGen allele CA2573141450.
Genomic context (GRCh38, chr7:107,791,045, plus strand): 5'-AGAGATGTGTAACAGTCAAGATGAACAGATTGAGGTGGGCAAGTTACATGAGAAGGTGCT[C>T]ACCTGGATGATTCCAGAAAGCACTGTGACTGATGCCGCCGCCGCCACCCTCACCCTCTCG-3'

ClinVar aggregate classification (germline): Uncertain significance (1 of 4 stars; one submission).

Submission:

Labcorp Genetics (formerly Invitae), Labcorp
Classification: Uncertain significance. Last evaluated: 2020-11-27. Review status: criteria provided, single submitter. Criteria: Invitae Variant Classification Sherloc (09022015). Collection method: clinical testing. Allele origin: germline.
Comment: This sequence change falls in intron 5 of the SLC26A3 gene. It does not directly change the encoded amino acid sequence of the SLC26A3 protein. It affects a nucleotide within the consensus splice site of the intron. This variant is not present in population databases (ExAC no frequency). This variant has not been reported in the literature in individuals with SLC26A3-related conditions. Nucleotide substitutions within the consensus splice site are a relatively common cause of aberrant splicing (PMID: 17576681, 9536098). Algorithms developed to predict the effect of sequence changes on RNA splicing suggest that this variant is not likely to affect RNA splicing, but this prediction has not been confirmed by published transcriptional studies. In summary, the available evidence is currently insufficient to determine the role of this variant in disease. Therefore, it has been classified as a Variant of Uncertain Significance.

Literature cited by the submitters: PubMed 17576681; PubMed 9536098.